The following is an entry in ClinVar:

ClinVar aggregate classification (germline): Benign. Review status: criteria provided, multiple submitters, no conflicts (2 of 4 stars). 3 submissions from 3 submitters: Benign (3). Last evaluated 2024-01-24.

Allele frequency attached by ClinVar (database versions not stated): 1000 Genomes Project 30x 0.45175; 1000 Genomes Project 0.45347; TOPMed 0.51630; gnomAD 0.53257 and 0.53569; gnomAD exomes 0.57240.

Submissions (3):

Unidad de Genómica Garrahan, Hospital de Pediatría Garrahan
Classification: Benign. Last evaluated: 2024-01-24. Review status: criteria provided, single submitter. Criteria: ACMG Guidelines, 2015. Collection method: clinical testing. Allele origin: germline. Affected: no. Observed: 26 variant alleles.
Comment: This variant is classified as Benign based on local population frequency. This variant was detected in 30% of patients studied by a panel of primary immunodeficiencies. Number of patients: 26. Only high quality variants are reported.

GeneDx
Classification: Benign. Last evaluated: 2018-07-09. Review status: criteria provided, single submitter. Criteria: GeneDx Variant Classification Process June 2021. Collection method: clinical testing. Allele origin: germline. Affected: yes.

Breakthrough Genomics
Classification: Benign. Review status: criteria provided, single submitter. Criteria: ACMG Guidelines, 2015. Collection method: not provided. Allele origin: germline. Inheritance: Autosomal recessive inheritance. Affected: yes.

NM_152468.5(TMC8):c.448+73G>C

Gene: TMC8 (transmembrane channel like 8; plus strand). Cytogenetic location: 17q25.3.
Variant type: single nucleotide variant.
Coding change: c.448+73G>C on transcript NM_152468.5 (MANE Select); 73 bases into the intron after coding-DNA position 448, G replaced by C.
Molecular consequence: intron variant.
Genome position (GRCh38, 1-based): chr17:78,132,581, G>C. VCF-style: chr17-78132581-G-C. GRCh37 (hg19) VCF-style: chr17-76128662-G-C.
Identifiers: ClinVar variation 1261537 (VCV001261537.5), dbSNP rs1396149, ClinGen allele CA14388542.
Genomic context (GRCh38, chr17:78,132,581, plus strand): 5'-CCCACCAGGGGAAGTGCTCCGGTGCCCACCTGCGCCATGGGGGGGCTGGCCCAGGGCCCA[G>C]AGCGTGGCGACAACGCTGGGCGTGGTCCTGCCGTGCAGGCCCCGGGGCTCTCTCTCCCTG-3'